The following is an entry in ClinVar:

NM_198253.3(TERT):c.1769+4C>T

Gene: TERT (telomerase reverse transcriptase; minus strand). Cytogenetic location: 5p15.33.
Variant type: single nucleotide variant.
Coding change: c.1769+4C>T on transcript NM_198253.3 (MANE Select); 4 bases into the intron after coding-DNA position 1769, C replaced by T.
Molecular consequence: intron variant.
Genome position (GRCh38, 1-based): chr5:1,282,425, G>A on the plus strand (C>T on the coding strand, the complement: TERT is on the minus strand). VCF-style: chr5-1282425-G-A. GRCh37 (hg19) VCF-style: chr5-1282540-G-A.
Other names: c.1769+4C>T (NM_001193376.3).
Identifiers: ClinVar variation 4182766 (VCV004182766.1).

ClinVar aggregate classification (germline): Uncertain significance (1 of 4 stars; one submission).

Conditions:
Dyskeratosis congenita. Identifiers: Orphanet 1775, MedGen C0265965, MONDO:0015780.

Submission:

Ambry Genetics
Classification: Uncertain significance for Dyskeratosis congenita. Last evaluated: 2025-06-26. Review status: criteria provided, single submitter. Criteria: Ambry Variant Classification Scheme 2023. Collection method: clinical testing. Allele origin: germline.
Comment: The c.1769+4C>T intronic variant results from a C to T substitution 4 nucleotides after coding exon 3 in the TERT gene. This nucleotide position is poorly conserved in available vertebrate species. In silico splice site analysis predicts that this alteration will not have any significant effect on splicing. Based on the available evidence, the clinical significance of this variant remains unclear.